The following is an entry in ClinVar:

NM_001378778.1(MPDZ):c.6067-1G>C

Gene: MPDZ (multiple PDZ domain crumbs cell polarity complex component; minus strand). Cytogenetic location: 9p23.
Variant type: single nucleotide variant.
Coding change: c.6067-1G>C on transcript NM_001378778.1 (MANE Select); the canonical splice acceptor site of the intron before coding-DNA position 6067, G replaced by C.
Molecular consequence: splice acceptor variant.
Genome position (GRCh38, 1-based): chr9:13,107,112, C>G on the plus strand (G>C on the coding strand, the complement: MPDZ is on the minus strand). VCF-style: chr9-13107112-C-G. GRCh37 (hg19) VCF-style: chr9-13107111-C-G.
Other names: c.5770-1G>C (NM_001375425.1, NM_001375426.1); c.5857-1G>C (NM_001375420.1, NM_001375423.1, NM_001375424.1 and 2 more transcripts); c.5881-1G>C (NM_001375419.1, NM_001261407.2); c.5968-1G>C (NM_001375416.1, NM_001375418.1, NM_001261406.2 and 1 more transcripts); c.6067-1G>C (NM_001330637.2); c.5659-1G>C (NM_001375427.1); c.5980-1G>C (NM_003829.5); c.6166-1G>C (NM_001375413.1).
Identifiers: ClinVar variation 1307908 (VCV001307908.2), dbSNP rs2130916456, ClinGen allele CA372938612.

ClinVar aggregate classification (germline): Uncertain significance (1 of 4 stars; one submission).

Allele frequency attached by ClinVar (database versions not stated): gnomAD exomes below 0.00001.
gnomAD v4.1: 1 of 1,561,672 alleles (0.000064%); highest among the groups gnomAD compares: Non-Finnish European, 0.000088%; no homozygotes.

Submission:

GeneDx
Classification: Uncertain significance. Last evaluated: 2019-08-29. Review status: criteria provided, single submitter. Criteria: GeneDx Variant Classification Process June 2021. Collection method: clinical testing. Allele origin: germline. Affected: yes.
Comment: Not observed in large population cohorts (Lek et al., 2016); Canonical splice site variant expected to result in aberrant splicing. In the absence of RNA/functional studies, the actual effect of this sequence change is unknown.; Has not been previously published as pathogenic or benign to our knowledge